The following is an entry in ClinVar:

NM_001368882.1(COL13A1):c.317G>A (p.Arg106Lys)

Gene: COL13A1 (collagen type XIII alpha 1 chain; plus strand). Cytogenetic location: 10q22.1.
Variant type: single nucleotide variant.
Coding change: c.317G>A on transcript NM_001368882.1 (MANE Select); coding-DNA position 317, G replaced by A.
Protein change: p.Arg106Lys; replaces arginine 106 with lysine.
Molecular consequence: missense variant. On other transcripts: 5 prime UTR variant (1).
Genome position (GRCh38, 1-based): chr10:69,822,391, G>A. VCF-style: chr10-69822391-G-A. GRCh37 (hg19) VCF-style: chr10-71582147-G-A.
Other names: c.317G>A, p.Arg106Lys (NM_001130103.2, NM_001320951.2, NM_001368883.1 and 11 more transcripts); c.-337G>A (NM_001368886.1); c.317G>A (NM_001130103.1); short protein forms R106K.
Identifiers: ClinVar variation 1903980 (VCV001903980.4), dbSNP rs751822343, ClinGen allele CA5534048.

ClinVar aggregate classification (germline): Uncertain significance. Review status: criteria provided, single submitter (1 of 4 stars). 2 submissions from 2 submitters: Uncertain significance (1). 1 of the submissions does not count toward it. Last evaluated 2022-07-11.

Conditions:
COL13A1-related disorder. Also called: COL13A1-related condition.

Allele frequency attached by ClinVar (database versions not stated): gnomAD 0.00001; TOPMed 0.00001; ExAC 0.00005.

Submissions (2):

Labcorp Genetics (formerly Invitae), Labcorp
Classification: Uncertain significance. Last evaluated: 2022-07-11. Review status: criteria provided, single submitter. Criteria: Invitae Variant Classification Sherloc (09022015). Collection method: clinical testing. Allele origin: germline.
Comment: This sequence change replaces arginine, which is basic and polar, with lysine, which is basic and polar, at codon 106 of the COL13A1 protein (p.Arg106Lys). This variant is present in population databases (rs751822343, gnomAD 0.01%). This variant has not been reported in the literature in individuals affected with COL13A1-related conditions. Algorithms developed to predict the effect of missense changes on protein structure and function output the following: SIFT: "Deleterious"; PolyPhen-2: "Benign"; Align-GVGD: "Class C0". The lysine amino acid residue is found in multiple mammalian species, which suggests that this missense change does not adversely affect protein function. In summary, the available evidence is currently insufficient to determine the role of this variant in disease. Therefore, it has been classified as a Variant of Uncertain Significance.

PreventionGenetics, part of Exact Sciences
Classification: Uncertain significance for COL13A1-related condition. Last evaluated: 2023-11-07. Review status: no assertion criteria provided. Collection method: clinical testing. Allele origin: germline. Not counted in ClinVar's aggregate classification.
Comment: The COL13A1 c.317G>A variant is predicted to result in the amino acid substitution p.Arg106Lys. To our knowledge, this variant has not been reported in the literature. This variant is reported in 0.0073% of alleles in individuals of European (Non-Finnish) descent in gnomAD. At this time, the clinical significance of this variant is uncertain due to the absence of conclusive functional and genetic evidence.